The following is an entry in ClinVar:

NM_001042492.3(NF1):c.123dup (p.Cys42fs)

Gene: NF1 (neurofibromin 1; plus strand). Cytogenetic location: 17q11.2.
Variant type: Duplication.
Coding change: c.123dup on transcript NM_001042492.3 (MANE Select); coding-DNA position 123, one base duplicated (A; older notation c.123dupA).
Protein change: p.Cys42fs; shifts the reading frame from cysteine 42.
Molecular consequence: frameshift variant.
Genome position (GRCh38, 1-based): chr17:31,156,045, A duplicated; the last of 2 consecutive A bases (chr17:31,156,044-31,156,045); duplicating either gives the same sequence. VCF-style (leftmost placement, unchanged base first): chr17-31156043-G-GA. GRCh37 (hg19) VCF-style: chr17-29483061-G-GA.
Other names: c.123dup, p.Cys42Metfs (NM_000267.4); c.123dup, p.Cys42fs (NM_001128147.3); short protein forms C42fs.
Identifiers: ClinVar variation 2064708 (VCV002064708.4), dbSNP rs2544681214, ClinGen allele CA2580092803.

ClinVar aggregate classification (germline): Pathogenic (1 of 4 stars; one submission).

Conditions:
Neurofibromatosis, type 1 (NF1). Also called: NEUROFIBROMATOSIS, TYPE I, SOMATIC; VON RECKLINGHAUSEN DISEASE; Peripheral type neurofibromatosis; Neurofibromatosis, type I. Identifiers: Orphanet 636, MedGen C0027831, MONDO:0018975, OMIM 162200. Disease mechanism: loss of function.

Submission:

Labcorp Genetics (formerly Invitae), Labcorp
Classification: Pathogenic for Neurofibromatosis, type 1. Last evaluated: 2025-01-11. Review status: criteria provided, single submitter. Criteria: Invitae Variant Classification Sherloc (09022015). Collection method: clinical testing. Allele origin: germline.
Comment: This sequence change creates a premature translational stop signal (p.Cys42Metfs*25) in the NF1 gene. It is expected to result in an absent or disrupted protein product. Loss-of-function variants in NF1 are known to be pathogenic (PMID: 10712197, 23913538). This variant is not present in population databases (gnomAD no frequency). This premature translational stop signal has been observed in individual(s) with neurofibromatosis type 1 (PMID: 29957862). ClinVar contains an entry for this variant (Variation ID: 2064708). For these reasons, this variant has been classified as Pathogenic.

Literature cited by the submitters: PubMed 10712197; PubMed 23913538; PubMed 29957862.